The following is an entry in ClinVar:

ClinVar aggregate classification (germline): Likely pathogenic (1 of 4 stars; one submission).

Allele frequency attached by ClinVar (database versions not stated): gnomAD exomes 0.00001 and 0.00003; ExAC 0.00002; gnomAD 0.00002; TOPMed 0.00002; ESP Exome Variant Server 0.00008.

Submission:

GeneDx
Classification: Likely pathogenic. Last evaluated: 2023-08-07. Review status: criteria provided, single submitter. Criteria: GeneDx Variant Classification Process June 2021. Collection method: clinical testing. Allele origin: germline. Affected: yes.
Comment: Canonical splice site variant expected to result in aberrant splicing, although in the absence of functional evidence the actual effect of this sequence change is unknown.; Not observed at significant frequency in large population cohorts (gnomAD); Has not been previously published as pathogenic or benign to our knowledge

NM_004870.4(MPDU1):c.619-2A>G

Gene: MPDU1 (mannose-P-dolichol utilization defect 1; plus strand). Cytogenetic location: 17p13.1.
Variant type: single nucleotide variant.
Coding change: c.619-2A>G on transcript NM_004870.4 (MANE Select); the canonical splice acceptor site of the intron before coding-DNA position 619, A replaced by G.
Molecular consequence: splice acceptor variant.
Genome position (GRCh38, 1-based): chr17:7,587,424, A>G. VCF-style: chr17-7587424-A-G. GRCh37 (hg19) VCF-style: chr17-7490742-A-G.
Other names: c.561-2A>G (NM_001330073.1).
Identifiers: ClinVar variation 631790 (VCV000631790.5), dbSNP rs368123972, ClinGen allele CA8353024.
Genomic context (GRCh38, chr17:7,587,424, plus strand): 5'-CATAAGGGAACCTTTCTTGAGCTATGCTGAAGGGTAACCCTGGCTCTGTCTCTTGCAACC[A>G]GGAAACCGGAGATCCCCTGATGGCTGGGACCTTTGTGGTCTCCTCTCTCTGCAACGGCCT-3'